The following is an entry in ClinVar:

NM_001290321.3(DMXL1):c.7998G>A (p.Ala2666=)

Gene: DMXL1 (Dmx like 1; plus strand). Cytogenetic location: 5q23.1.
Variant type: single nucleotide variant.
Coding change: c.7998G>A on transcript NM_001290321.3 (MANE Select); coding-DNA position 7998, G replaced by A.
Protein change: p.Ala2666=; no amino-acid change (alanine 2666 retained).
Molecular consequence: synonymous variant. On other transcripts: non-coding transcript variant (3).
Genome position (GRCh38, 1-based): chr5:119,216,972, G>A. VCF-style: chr5-119216972-G-A. GRCh37 (hg19) VCF-style: chr5-118552667-G-A.
Other names: c.7998G>A, p.Ala2666= (NM_001349239.2); c.7935G>A, p.Ala2645= (NM_001349240.2, NM_001387933.1, NM_005509.6); c.7743G>A, p.Ala2581= (NM_001387934.1); c.7230G>A, p.Ala2410= (NM_001387937.1); c.7011G>A, p.Ala2337= (NM_001387938.1).
Identifiers: ClinVar variation 3057161 (VCV003057161.2), dbSNP rs76342985, ClinGen allele CA3381052.

ClinVar aggregate classification (germline): Benign (0 of 4 stars; one submission).

Conditions:
DMXL1-related disorder. Also called: DMXL1-related condition.

Allele frequency attached by ClinVar (database versions not stated): 1000 Genomes Project 30x 0.00874; 1000 Genomes Project 0.00899; gnomAD 0.01349; TOPMed 0.01409; ESP Exome Variant Server 0.01440; gnomAD exomes 0.01463.
gnomAD v4.1: 23,274 of 1,583,756 alleles (1.5%); highest among the groups gnomAD compares: Middle Eastern, 4.6%; 241 homozygotes.

Submission:

PreventionGenetics, part of Exact Sciences
Classification: Benign for DMXL1-related condition. Last evaluated: 2019-03-20. Review status: no assertion criteria provided. Collection method: clinical testing. Allele origin: germline.
Comment: This variant is classified as benign based on ACMG/AMP sequence variant interpretation guidelines (Richards et al. 2015 PMID: 25741868, with internal and published modifications).